The following is an entry in ClinVar:

NM_017585.4(SLC2A6):c.695G>C (p.Arg232Pro)

Gene: SLC2A6 (solute carrier family 2 member 6; minus strand). Cytogenetic location: 9q34.2.
Variant type: single nucleotide variant.
Coding change: c.695G>C on transcript NM_017585.4 (MANE Select); coding-DNA position 695, G replaced by C.
Protein change: p.Arg232Pro; replaces arginine 232 with proline.
Molecular consequence: missense variant.
Genome position (GRCh38, 1-based): chr9:133,475,479, C>G on the plus strand (G>C on the coding strand, the complement: SLC2A6 is on the minus strand). VCF-style: chr9-133475479-C-G. GRCh37 (hg19) VCF-style: chr9-136340601-C-G.
Other names: c.695G>C, p.Arg232Pro (NM_001145099.2); short protein forms R232P.
Identifiers: ClinVar variation 4881480 (VCV004881480.2).
Genomic context (GRCh38, chr9:133,475,479, plus strand): 5'-TGGATCTGCTCGAACTCCCAGTGGACATCGACGTCCGTCCCACGCAGCCAGGCCAGCGCC[C>G]GCAGGGCCTCTTCGTCCCTGCCCCGAGAGAGCAGGAAGCGCGGCGAGTTGGGCATGAAGC-3'
Protein context (NP_060055.2, residues 222-242): LSRGRDEEAL[Arg232Pro]ALAWLRGTDV

ClinVar aggregate classification (germline): Uncertain significance (1 of 4 stars; one submission).

Submission:

Dasa
Classification: Uncertain significance. Last evaluated: 2026-03-06. Review status: criteria provided, single submitter. Criteria: DASA Assertion Criteria. Collection method: clinical testing. Allele origin: germline.
Comment: NM_017585.4(SLC2A6):c.695G>C (p.Arg232Pro) is a missense variant that results in the substitution of arginine with proline. This variant is rare in population databases. The currently available literature and clinical evidence are not sufficient to establish a definitive association between this variant and the reported condition. Therefore, this variant is classified as a variant of uncertain significance.